The following is an entry in ClinVar:

ClinVar aggregate classification (germline): Uncertain significance (1 of 4 stars; one submission).

Conditions:
Tuberous sclerosis 2 (TSC2). Identifiers: Orphanet 805, MedGen C1860707, MONDO:0013199, OMIM 613254.

Allele frequency attached by ClinVar (database versions not stated): gnomAD 0.00001.
gnomAD v4.1: 1 of 1,611,134 alleles (0.000062%); highest among the groups gnomAD compares: Non-Finnish European, 0.000085%; no homozygotes.

Submission:

Labcorp Genetics (formerly Invitae), Labcorp
Classification: Uncertain significance for Tuberous sclerosis 2. Last evaluated: 2022-10-21. Review status: criteria provided, single submitter. Criteria: Invitae Variant Classification Sherloc (09022015). Collection method: clinical testing. Allele origin: germline.
Comment: ClinVar contains an entry for this variant (Variation ID: 1364815). Advanced modeling of protein sequence and biophysical properties (such as structural, functional, and spatial information, amino acid conservation, physicochemical variation, residue mobility, and thermodynamic stability) performed at Invitae indicates that this missense variant is not expected to disrupt TSC2 protein function. In summary, the available evidence is currently insufficient to determine the role of this variant in disease. Therefore, it has been classified as a Variant of Uncertain Significance. This variant has not been reported in the literature in individuals affected with TSC2-related conditions. This sequence change replaces glycine, which is neutral and non-polar, with glutamic acid, which is acidic and polar, at codon 1399 of the TSC2 protein (p.Gly1399Glu). This variant is not present in population databases (gnomAD no frequency).

NM_000548.5(TSC2):c.4196G>A (p.Gly1399Glu)

Gene: TSC2 (TSC complex subunit 2; plus strand). Cytogenetic location: 16p13.3.
Variant type: single nucleotide variant.
Coding change: c.4196G>A on transcript NM_000548.5 (MANE Select); coding-DNA position 4196, G replaced by A.
Protein change: p.Gly1399Glu; replaces glycine 1399 with glutamic acid.
Molecular consequence: missense variant.
Genome position (GRCh38, 1-based): chr16:2,084,418, G>A. VCF-style: chr16-2084418-G-A. GRCh37 (hg19) VCF-style: chr16-2134419-G-A.
Other names: c.4064G>A, p.Gly1355Glu (NM_001370404.1); c.4067G>A, p.Gly1356Glu (NM_001370405.1, NM_021055.3); c.4127G>A, p.Gly1376Glu (NM_001114382.3); c.3995G>A, p.Gly1332Glu (NM_001077183.3); c.3887G>A, p.Gly1296Glu (NM_001318827.2); c.3851G>A, p.Gly1284Glu (NM_001318829.2); c.3464G>A, p.Gly1155Glu (NM_001318831.2); c.4028G>A, p.Gly1343Glu (NM_001318832.2); and 1 more; short protein forms G1155E, G1332E, G1376E, G1284E, G1333E, G1355E, G1399E, G1343E.
Identifiers: ClinVar variation 1364815 (VCV001364815.8), dbSNP rs2090504166, ClinGen allele CA394299854.
Genomic context (GRCh38, chr16:2,084,418, plus strand): 5'-CGCAGCCCCTGAGCAAGTCCAGCTCCTCTCCCGAGCTGCAGACTCTGCAGGACATCCTCG[G>A]GGACCCTGGGGACAAGGCCGACGTGGGCCGGCTGAGCCCTGAGGTTAAGGCCCGGTCACA-3'
Protein context (NP_000539.2, residues 1389-1409): PELQTLQDIL[Gly1399Glu]DPGDKADVGR